The following is an entry in ClinVar:

NM_006567.5(FARS2):c.394C>T (p.Pro132Ser)

Genes: FARS2 (phenylalanyl-tRNA synthetase 2, mitochondrial; plus strand), LOC126859565 (CDK7 strongly-dependent group 2 enhancer GRCh37_chr6:5368745-5369944; plus strand). Cytogenetic location: 6p25.1.
Variant type: single nucleotide variant.
Coding change: c.394C>T on transcript NM_006567.5 (MANE Select); coding-DNA position 394, C replaced by T.
Protein change: p.Pro132Ser; replaces proline 132 with serine.
Molecular consequence: missense variant. On other transcripts: intron variant (2).
Genome position (GRCh38, 1-based): chr6:5,368,964, C>T. VCF-style: chr6-5368964-C-T. GRCh37 (hg19) VCF-style: chr6-5369197-C-T.
Other names: c.394C>T, p.Pro132Ser (NM_001318872.2, NM_001374875.1, NM_001374876.1 and 5 more transcripts); c.-340-27669C>T (NM_001375260.1); c.-84-35578C>T (NM_001375259.1); short protein forms P132S.
Identifiers: ClinVar variation 4808392 (VCV004808392.1).

ClinVar aggregate classification (germline): Uncertain significance (1 of 4 stars; one submission).

Conditions:
Combined oxidative phosphorylation defect type 14. Also called: Combined oxidative phosphorylation deficiency 14. Identifiers: Orphanet 319519, MedGen C4755312, MONDO:0013986, OMIM 614946.

gnomAD v4.1: 7 of 1,614,154 alleles (0.00043%); highest among the groups gnomAD compares: Middle Eastern, 0.033%; no homozygotes.

Submission:

Labcorp Genetics (formerly Invitae), Labcorp
Classification: Uncertain significance for Combined oxidative phosphorylation defect type 14. Last evaluated: 2025-08-25. Review status: criteria provided, single submitter. Criteria: Invitae Variant Classification Sherloc (09022015). Collection method: clinical testing. Allele origin: germline.
Comment: This sequence change replaces proline, which is neutral and non-polar, with serine, which is neutral and polar, at codon 132 of the FARS2 protein (p.Pro132Ser). This variant is present in population databases (rs534089491, gnomAD 0.007%). This variant has not been reported in the literature in individuals affected with FARS2-related conditions. Invitae Evidence Modeling of protein sequence and biophysical properties (such as structural, functional, and spatial information, amino acid conservation, physicochemical variation, residue mobility, and thermodynamic stability) indicates that this missense variant is expected to disrupt FARS2 protein function with a positive predictive value of 95%. In summary, the available evidence is currently insufficient to determine the role of this variant in disease. Therefore, it has been classified as a Variant of Uncertain Significance.